The following is an entry in ClinVar:

NM_002474.3(MYH11):c.2442C>A (p.Thr814=)

Gene: MYH11 (myosin heavy chain 11; minus strand). Cytogenetic location: 16p13.11.
Variant type: single nucleotide variant.
Coding change: c.2442C>A on transcript NM_002474.3 (MANE Select); coding-DNA position 2442, C replaced by A.
Protein change: p.Thr814=; no amino-acid change (threonine 814 retained).
Molecular consequence: synonymous variant.
Genome position (GRCh38, 1-based): chr16:15,745,207, G>T on the plus strand (C>A on the coding strand, the complement: MYH11 is on the minus strand). VCF-style: chr16-15745207-G-T. GRCh37 (hg19) VCF-style: chr16-15839064-G-T.
Other names: c.2463C>A, p.Thr821= (NM_001040113.2, NM_001040114.2); c.2442C>A, p.Thr814= (NM_022844.3).
Identifiers: ClinVar variation 2070253 (VCV002070253.5), dbSNP rs759602174, ClinGen allele CA493791858.

ClinVar aggregate classification (germline): Likely benign. Review status: criteria provided, multiple submitters, no conflicts (2 of 4 stars). 2 submissions from 2 submitters: Likely benign (2). Last evaluated 2024-04-16.

Conditions:
Familial thoracic aortic aneurysm and aortic dissection (TAAD). Also called: Thoracic aortic aneurysms and dissections. Identifiers: Orphanet 91387, MedGen C4707243, MONDO:0019625.
Aortic aneurysm, familial thoracic 4 (AAT4). Also called: AORTIC ANEURYSM/AORTIC DISSECTION AND PATENT DUCTUS ARTERIOSUS. Identifiers: MedGen C1851504, MONDO:0007568, OMIM 132900.

Submissions (2):

All of Us Research Program, National Institutes of Health
Classification: Likely benign for Familial thoracic aortic aneurysm and aortic dissection. Last evaluated: 2024-04-16. Review status: criteria provided, single submitter. Criteria: ACMG Guidelines, 2015. Collection method: clinical testing. Allele origin: germline. Inheritance: Autosomal dominant inheritance. Observed: 1 variant allele, 1 heterozygote.
Comment: This study involves interpretation of variants in research participants for the purpose of population health screening. Participant phenotype was not available at the time of variant classification. Additional details can be found in publication PMID: 35346344, PMCID: PMC8962531

Labcorp Genetics (formerly Invitae), Labcorp
Classification: Likely benign for Aortic aneurysm, familial thoracic 4. Last evaluated: 2022-02-11. Review status: criteria provided, single submitter. Criteria: Invitae Variant Classification Sherloc (09022015). Collection method: clinical testing. Allele origin: germline.